The following is an entry in ClinVar:

NM_001353108.3(CEP63):c.601T>C (p.Ser201Pro)

Gene: CEP63 (centrosomal protein 63; plus strand). Cytogenetic location: 3q22.2.
Variant type: single nucleotide variant.
Coding change: c.601T>C on transcript NM_001353108.3 (MANE Select); coding-DNA position 601, T replaced by C.
Protein change: p.Ser201Pro; replaces serine 201 with proline.
Molecular consequence: missense variant. On other transcripts: non-coding transcript variant (4).
Genome position (GRCh38, 1-based): chr3:134,545,631, T>C. VCF-style: chr3-134545631-T-C. GRCh37 (hg19) VCF-style: chr3-134264473-T-C.
Other names: c.601T>C, p.Ser201Pro (NM_001042383.2, NM_001042384.2, NM_001042400.3 and 13 more transcripts); c.628T>C, p.Ser210Pro (NM_001353118.1); c.517T>C, p.Ser173Pro (NM_001353125.2); c.238T>C, p.Ser80Pro (NM_001353126.2); short protein forms S173P, S201P, S210P, S80P.
Identifiers: ClinVar variation 2419251 (VCV002419251.4), dbSNP rs1559999756, ClinGen allele CA354627233.

ClinVar aggregate classification (germline): Uncertain significance (1 of 4 stars; one submission).

Allele frequency attached by ClinVar (database versions not stated): gnomAD 0.00001.
gnomAD v4.1: 23 of 1,614,046 alleles (0.0014%); highest among the groups gnomAD compares: Non-Finnish European, 0.0018%; no homozygotes.

Submission:

Labcorp Genetics (formerly Invitae), Labcorp
Classification: Uncertain significance. Last evaluated: 2022-07-22. Review status: criteria provided, single submitter. Criteria: Invitae Variant Classification Sherloc (09022015). Collection method: clinical testing. Allele origin: germline.
Comment: In summary, the available evidence is currently insufficient to determine the role of this variant in disease. Therefore, it has been classified as a Variant of Uncertain Significance. Algorithms developed to predict the effect of missense changes on protein structure and function are either unavailable or do not agree on the potential impact of this missense change (SIFT: "Deleterious"; PolyPhen-2: "Probably Damaging"; Align-GVGD: "Class C0"). This variant has not been reported in the literature in individuals affected with CEP63-related conditions. This variant is present in population databases (no rsID available, gnomAD 0.0009%). This sequence change replaces serine, which is neutral and polar, with proline, which is neutral and non-polar, at codon 201 of the CEP63 protein (p.Ser201Pro).